The following is an entry in ClinVar:

ClinVar aggregate classification (germline): Uncertain significance. Review status: criteria provided, multiple submitters, no conflicts (2 of 4 stars). 3 submissions from 3 submitters: Uncertain significance (3). Last evaluated 2023-09-12.

Conditions:
Hereditary nonpolyposis colorectal neoplasms. Identifiers: MedGen C0009405, MeSH D003123.
Hereditary cancer-predisposing syndrome. Also called: Hereditary Cancer Syndrome; Neoplastic Syndromes, Hereditary; Tumor predisposition; Hereditary neoplastic syndrome. Identifiers: Orphanet 140162, MedGen C0027672, MeSH D009386, MONDO:0015356.

Submissions (3):

Color Diagnostics, LLC DBA Color Health
Classification: Uncertain significance for Hereditary cancer-predisposing syndrome. Last evaluated: 2023-09-12. Review status: criteria provided, single submitter. Criteria: ACMG Guidelines, 2015. Collection method: clinical testing. Allele origin: germline.
Comment: This missense variant replaces arginine with lysine at codon 146 of the MSH6 protein. Computational prediction suggests that this variant may not impact protein structure and function (internally defined REVEL score threshold <= 0.5, PMID: 27666373). To our knowledge, functional studies have not been reported for this variant. This variant has not been reported in individuals affected with MSH6-related disorders in the literature. This variant has not been identified in the general population by the Genome Aggregation Database (gnomAD). The available evidence is insufficient to determine the role of this variant in disease conclusively. Therefore, this variant is classified as a Variant of Uncertain Significance.

Labcorp Genetics (formerly Invitae), Labcorp
Classification: Uncertain significance for Hereditary nonpolyposis colorectal neoplasms. Last evaluated: 2023-05-02. Review status: criteria provided, single submitter. Criteria: Invitae Variant Classification Sherloc (09022015). Collection method: clinical testing. Allele origin: germline.
Comment: This sequence change replaces arginine, which is basic and polar, with lysine, which is basic and polar, at codon 146 of the MSH6 protein (p.Arg146Lys). This variant is not present in population databases (gnomAD no frequency). This variant has not been reported in the literature in individuals affected with MSH6-related conditions. ClinVar contains an entry for this variant (Variation ID: 480931). Advanced modeling of protein sequence and biophysical properties (such as structural, functional, and spatial information, amino acid conservation, physicochemical variation, residue mobility, and thermodynamic stability) performed at Invitae indicates that this missense variant is not expected to disrupt MSH6 protein function. In summary, the available evidence is currently insufficient to determine the role of this variant in disease. Therefore, it has been classified as a Variant of Uncertain Significance.

Ambry Genetics
Classification: Uncertain significance for Hereditary cancer-predisposing syndrome. Last evaluated: 2018-09-20. Review status: criteria provided, single submitter. Criteria: Ambry Variant Classification Scheme 2023. Collection method: clinical testing. Allele origin: germline.
Comment: The p.R146K variant (also known as c.437G>A), located in coding exon 2 of the MSH6 gene, results from a G to A substitution at nucleotide position 437. The arginine at codon 146 is replaced by lysine, an amino acid with highly similar properties. This amino acid position is not well conserved in available vertebrate species. In addition, this alteration is predicted to be tolerated by in silico analysis. In addition, the CoDP in silico tool predicts this alteration to have minor impact on molecular function, with a score of 0.000 (Terui H et al. J. Biomed. Sci. 2013 Apr;20:25). Since supporting evidence is limited at this time, the clinical significance of this alteration remains unclear.

NM_000179.3(MSH6):c.437G>A (p.Arg146Lys)

Gene: MSH6 (mutS homolog 6; plus strand). Cytogenetic location: 2p16.3.
Variant type: single nucleotide variant.
Coding change: c.437G>A on transcript NM_000179.3 (MANE Select); coding-DNA position 437, G replaced by A.
Protein change: p.Arg146Lys; replaces arginine 146 with lysine.
Molecular consequence: missense variant. On other transcripts: 5 prime UTR variant (2), intron variant (1).
Genome position (GRCh38, 1-based): chr2:47,791,103, G>A. VCF-style: chr2-47791103-G-A. GRCh37 (hg19) VCF-style: chr2-48018242-G-A.
Other names: c.-300G>A (NM_001281493.2); c.-466G>A (NM_001281494.2); c.238-7508G>A (NM_001281492.2); short protein forms R146K.
Identifiers: ClinVar variation 480931 (VCV000480931.17), dbSNP rs1553410372, ClinGen allele CA346737170.